The following is an entry in ClinVar:

ClinVar aggregate classification (germline): Uncertain significance (1 of 4 stars; one submission).

gnomAD v4.1: 9 of 1,613,996 alleles (0.00056%); highest among the groups gnomAD compares: East Asian, 0.018%; no homozygotes.

Submission:

Ambry Genetics
Classification: Uncertain significance. Last evaluated: 2022-10-04. Review status: criteria provided, single submitter. Criteria: Ambry Variant Classification Scheme 2023. Collection method: clinical testing. Allele origin: germline.
Comment: The p.E870D variant (also known as c.2610G>C), located in coding exon 4 of the ALPK2 gene, results from a G to C substitution at nucleotide position 2610. The glutamic acid at codon 870 is replaced by aspartic acid, an amino acid with highly similar properties. This amino acid position is conserved. In addition, this alteration is predicted to be tolerated by in silico analysis. Since supporting evidence is limited at this time, the clinical significance of this alteration remains unclear.

NM_052947.4(ALPK2):c.2610G>C (p.Glu870Asp)

Gene: ALPK2 (alpha kinase 2; minus strand). Cytogenetic location: 18q21.31.
Variant type: single nucleotide variant.
Coding change: c.2610G>C on transcript NM_052947.4 (MANE Select); coding-DNA position 2610, G replaced by C.
Protein change: p.Glu870Asp; replaces glutamic acid 870 with aspartic acid.
Molecular consequence: missense variant.
Genome position (GRCh38, 1-based): chr18:58,537,577, C>G on the plus strand (G>C on the coding strand, the complement: ALPK2 is on the minus strand). VCF-style: chr18-58537577-C-G. GRCh37 (hg19) VCF-style: chr18-56204809-C-G.
Other names: short protein forms E870D.
Identifiers: ClinVar variation 1793797 (VCV001793797.2), dbSNP rs1602207535, ClinGen allele CA402570160.